The following is an entry in ClinVar:

NM_001267550.2(TTN):c.9443G>A (p.Arg3148His)

Gene: TTN (titin; minus strand). Cytogenetic location: 2q31.2.
Variant type: single nucleotide variant.
Coding change: c.9443G>A on transcript NM_001267550.2 (MANE Select); coding-DNA position 9443, G replaced by A.
Protein change: p.Arg3148His; replaces arginine 3148 with histidine.
Molecular consequence: missense variant.
Genome position (GRCh38, 1-based): chr2:178,767,787, C>T on the plus strand (G>A on the coding strand, the complement: TTN is on the minus strand). VCF-style: chr2-178767787-C-T. GRCh37 (hg19) VCF-style: chr2-179632514-C-T.
Other names: c.9443G>A, p.Arg3148His (NM_001256850.1, NM_133378.4, NM_133379.5); c.9305G>A, p.Arg3102His (NM_003319.4, NM_133432.3, NM_133437.4); short protein forms R3148H, R3102H.
Identifiers: ClinVar variation 96325 (VCV000096325.25), dbSNP rs368786036, ClinGen allele CA224005.
Genomic context (GRCh38, chr2:178,767,787, plus strand): 5'-ATTTTTCAAAACATTTAGTATGTAGACAATACCTGAACCTCCTTTTTAATACTTCGGATG[C>T]GAACATCTCTGCCTTCTACAAAGAGTTTTGCAGTTGACACGTTGCCTCCTGCCACCACTG-3'
Protein context (NP_001254479.2, residues 3138-3158): AKLFVEGRDV[Arg3148His]IRSIKKEVQV

ClinVar aggregate classification (germline): Conflicting classifications of pathogenicity. Review status: criteria provided, conflicting classifications (1 of 4 stars). 5 submissions from 5 submitters: Uncertain significance (4); Likely benign (1). Last evaluated 2024-10-01.

Conditions:
Dilated cardiomyopathy 1G (CMD1G). Identifiers: Orphanet 154, MedGen C1858763, MONDO:0011400, OMIM 604145.
Autosomal recessive limb-girdle muscular dystrophy type 2J (LGMDR10). Also called: Limb-girdle muscular dystrophy, type 2J; MUSCULAR DYSTROPHY, LIMB-GIRDLE, AUTOSOMAL RECESSIVE 10. Identifiers: Orphanet 140922, MedGen C1837342, MONDO:0012127, OMIM 608807.
Early-onset myopathy with fatal cardiomyopathy (CMYO5). Also called: Salih Myopathy; CONGENITAL MYOPATHY 5 WITH CARDIOMYOPATHY. Identifiers: Orphanet 289377, MedGen C2673677, MONDO:0012714, OMIM 611705. Disease mechanism: loss of function.
Myopathy, myofibrillar, 9, with early respiratory failure (MFM9). Also called: Hereditary myopathy with early respiratory failure; MYOPATHY, PROXIMAL, WITH EARLY RESPIRATORY MUSCLE INVOLVEMENT; Myopathy, distal, with early respiratory failure, autosomal dominant; EDSTROM MYOPATHY. Identifiers: Orphanet 178464, Orphanet 34521, MedGen C1863599, MONDO:0011362, OMIM 603689.
Hypertrophic cardiomyopathy 9. Also called: Familial hypertrophic cardiomyopathy 9. Identifiers: MedGen C1861065, MONDO:0013412, OMIM 613765.

Allele frequency attached by ClinVar (database versions not stated): gnomAD 0.00005 and 0.00004; TOPMed 0.00005; ESP Exome Variant Server 0.00015; 1000 Genomes Project 0.00020; 1000 Genomes Project 30x 0.00016.
gnomAD v4.1: 91 of 1,614,104 alleles (0.0056%); highest among the groups gnomAD compares: South Asian, 0.0077%; no homozygotes.

Submissions (5):

CeGaT Center for Human Genetics Tuebingen
Classification: Uncertain significance. Last evaluated: 2024-10-01. Review status: criteria provided, single submitter. Criteria: CeGaT Center For Human Genetics Tuebingen Variant Classification Criteria Version 2. Collection method: clinical testing. Allele origin: germline. Affected: yes. Observed: 1 variant allele.
Comment: TTN: PM2

Revvity Omics, Revvity
Classification: Uncertain significance. Last evaluated: 2022-04-29. Review status: criteria provided, single submitter. Criteria: ACMG Guidelines, 2015. Collection method: clinical testing. Allele origin: germline.

GeneDx
Classification: Likely benign. Last evaluated: 2020-10-30. Review status: criteria provided, single submitter. Criteria: GeneDx Variant Classification Process June 2021. Collection method: clinical testing. Allele origin: germline. Affected: yes.
Comment: Missense variant in a gene in which most reported pathogenic variants are truncating/loss-of-function; In silico analysis supports that this missense variant does not alter protein structure/function; Has not been previously published as pathogenic or benign to our knowledge

Athena Diagnostics
Classification: Uncertain significance. Last evaluated: 2018-04-02. Review status: criteria provided, single submitter. Criteria: Athena Diagnostics Criteria. Collection method: clinical testing. Allele origin: germline.

Eurofins Ntd Llc (ga)
Classification: Uncertain significance. Last evaluated: 2013-07-23. Review status: criteria provided, single submitter. Criteria: EGL Classification Definitions 2015. Collection method: clinical testing. Allele origin: germline. Observed: 1 variant allele, 1 heterozygote.